The following is an entry in ClinVar:

ClinVar aggregate classification (germline): Uncertain significance (1 of 4 stars; one submission).

Conditions:
Neurofibromatosis, type 2 (SWNV). Also called: SCHWANNOMATOSIS, VESTIBULAR; NF2-Related Schwannomatosis; BILATERAL ACOUSTIC NEUROFIBROMATOSIS. Identifiers: Orphanet 637, MedGen C0027832, MONDO:0007039, OMIM 101000. Disease mechanism: loss of function.

Submission:

Labcorp Genetics (formerly Invitae), Labcorp
Classification: Uncertain significance for Neurofibromatosis, type 2. Last evaluated: 2021-08-17. Review status: criteria provided, single submitter. Criteria: Invitae Variant Classification Sherloc (09022015). Collection method: clinical testing. Allele origin: germline.
Comment: In summary, the available evidence is currently insufficient to determine the role of this variant in disease. Therefore, it has been classified as a Variant of Uncertain Significance. This sequence change replaces arginine with glycine at codon 358 of the NF2 protein (p.Arg358Gly). The arginine residue is moderately conserved and there is a moderate physicochemical difference between arginine and glycine. Algorithms developed to predict the effect of missense changes on protein structure and function are either unavailable or do not agree on the potential impact of this missense change (SIFT: "Tolerated"; PolyPhen-2: "Probably Damaging"; Align-GVGD: "Class C0"). This variant has not been reported in the literature in individuals affected with NF2-related conditions. This variant is not present in population databases (ExAC no frequency).

NM_000268.4(NF2):c.1072A>G (p.Arg358Gly)

Gene: NF2 (NF2, moesin-ezrin-radixin like (MERLIN) tumor suppressor; plus strand). Cytogenetic location: 22q12.2.
Variant type: single nucleotide variant.
Coding change: c.1072A>G on transcript NM_000268.4 (MANE Select); coding-DNA position 1072, A replaced by G.
Protein change: p.Arg358Gly; replaces arginine 358 with glycine.
Molecular consequence: missense variant. On other transcripts: non-coding transcript variant (1), intron variant (1).
Genome position (GRCh38, 1-based): chr22:29,671,898, A>G. VCF-style: chr22-29671898-A-G. GRCh37 (hg19) VCF-style: chr22-30067887-A-G.
Other names: c.1072A>G, p.Arg358Gly (NM_016418.5, NM_181825.3, NM_181832.3); c.946A>G, p.Arg316Gly (NM_181828.3); c.949A>G, p.Arg317Gly (NM_181829.3); c.823A>G, p.Arg275Gly (NM_181830.3, NM_181831.3); c.448-22854A>G (NM_181833.3); short protein forms R275G, R316G, R317G, R358G.
Identifiers: ClinVar variation 1346676 (VCV001346676.6), dbSNP rs2147073033, ClinGen allele CA411147004.